The following is an entry in ClinVar:

ClinVar aggregate classification (germline): Uncertain significance (1 of 4 stars; one submission).

Conditions:
Primary ciliary dyskinesia. Also called: Ciliary dyskinesia. Identifiers: Orphanet 244, MedGen C0008780, MONDO:0016575, HP:0012265.

Submission:

Labcorp Genetics (formerly Invitae), Labcorp
Classification: Uncertain significance for Primary ciliary dyskinesia. Last evaluated: 2022-02-23. Review status: criteria provided, single submitter. Criteria: Invitae Variant Classification Sherloc (09022015). Collection method: clinical testing. Allele origin: germline.
Comment: In summary, the available evidence is currently insufficient to determine the role of this variant in disease. Therefore, it has been classified as a Variant of Uncertain Significance. Algorithms developed to predict the effect of missense changes on protein structure and function are either unavailable or do not agree on the potential impact of this missense change (SIFT: "Deleterious"; PolyPhen-2: "Probably Damaging"; Align-GVGD: "Class C0"). This variant has not been reported in the literature in individuals affected with RPGR-related conditions. This variant is not present in population databases (gnomAD no frequency). This sequence change replaces glycine, which is neutral and non-polar, with glutamic acid, which is acidic and polar, at codon 68 of the RPGR protein (p.Gly68Glu).

NM_001034853.2(RPGR):c.203G>A (p.Gly68Glu)

Gene: RPGR (retinitis pigmentosa GTPase regulator; minus strand). Cytogenetic location: Xp11.4.
Variant type: single nucleotide variant.
Coding change: c.203G>A on transcript NM_001034853.2 (MANE Select); coding-DNA position 203, G replaced by A.
Protein change: p.Gly68Glu; replaces glycine 68 with glutamic acid.
Molecular consequence: missense variant. On other transcripts: non-coding transcript variant (6).
Genome position (GRCh38, 1-based): chrX:38,322,897, C>T on the plus strand (G>A on the coding strand, the complement: RPGR is on the minus strand). VCF-style: chrX-38322897-C-T. GRCh37 (hg19) VCF-style: chrX-38182150-C-T.
Other names: c.203G>A, p.Gly68Glu (NM_000328.3, NM_001367245.1, NM_001367246.1 and 4 more transcripts); c.233G>A, p.Gly78Glu (NM_001367248.1); short protein forms G68E, G78E.
Identifiers: ClinVar variation 2183445 (VCV002183445.4), dbSNP rs2067975335, ClinGen allele CA412745591.